The following is an entry in ClinVar:

ClinVar aggregate classification (germline): Conflicting classifications of pathogenicity. Review status: criteria provided, conflicting classifications (1 of 4 stars). 10 submissions from 10 submitters: Uncertain significance (1); Benign (3); Likely benign (5). 1 of the submissions does not count toward it. Last evaluated 2026-07-14.

Conditions:
Hereditary cancer-predisposing syndrome. Also called: Neoplastic Syndromes, Hereditary; Tumor predisposition; Hereditary Cancer Syndrome; Hereditary neoplastic syndrome. Identifiers: Orphanet 140162, MedGen C0027672, MeSH D009386, MONDO:0015356.
Intellectual disability, autosomal dominant 16 (CSS4). Also called: COFFIN-SIRIS SYNDROME 4. Identifiers: Orphanet 1465, MedGen C3553249, MONDO:0013821, OMIM 614609.
Rhabdoid tumor predisposition syndrome 2 (RTPS2). Identifiers: Orphanet 231108, Orphanet 69077, MedGen C2750074, MONDO:0013224, OMIM 613325.
SMARCA4-related disorder. Also called: SMARCA4-related condition.

Allele frequency attached by ClinVar (database versions not stated): ExAC 0.00029; 1000 Genomes Project 0.00040; gnomAD exomes 0.00019 and 0.00008; ESP Exome Variant Server 0.00031; gnomAD 0.00051 and 0.00048; TOPMed 0.00060; 1000 Genomes Project 30x 0.00047.
gnomAD v4.1: 202 of 1,603,728 alleles (0.013%); highest among the groups gnomAD compares: Middle Eastern, 0.18%; no homozygotes.

Submissions (10):

Myriad Genetics, Inc.
Classification: Benign for Rhabdoid tumor predisposition syndrome 2. Last evaluated: 2026-07-14. Review status: criteria provided, single submitter. Criteria: Myriad Autosomal Dominant, Autosomal Recessive and X-Linked Classification Criteria (2023). Collection method: clinical testing. Allele origin: unknown.
Comment: This variant is considered benign. This variant is a silent/synonymous amino acid change and it is not expected to impact splicing.

CeGaT Center for Human Genetics Tuebingen
Classification: Likely benign. Last evaluated: 2026-03-01. Review status: criteria provided, single submitter. Criteria: CeGaT Center For Human Genetics Tuebingen Variant Classification Criteria Version 2. Collection method: clinical testing. Allele origin: germline. Affected: yes. Observed: 1 variant allele.
Comment: SMARCA4: BP4, BP7, BS1

Labcorp Genetics (formerly Invitae), Labcorp
Classification: Benign for Rhabdoid tumor predisposition syndrome 2. Last evaluated: 2026-01-27. Review status: criteria provided, single submitter. Criteria: Invitae Variant Classification Sherloc (09022015). Collection method: clinical testing. Allele origin: germline.

Blueprint Genetics
Classification: Likely benign. Last evaluated: 2024-09-11. Review status: criteria provided, single submitter. Criteria: ACMG Guidelines, 2015. Collection method: clinical testing. Allele origin: germline.

Genome-Nilou Lab
Classification: Likely benign for Intellectual disability, autosomal dominant 16. Last evaluated: 2021-07-15. Review status: criteria provided, single submitter. Criteria: ACMG Guidelines, 2015. Collection method: clinical testing. Allele origin: germline. Affected: no.

Sema4
Classification: Benign for Hereditary cancer-predisposing syndrome. Last evaluated: 2020-12-22. Review status: criteria provided, single submitter. Criteria: Sema4 Curation Guidelines. Collection method: curation. Allele origin: germline.

GeneDx
Classification: Likely benign. Last evaluated: 2020-10-20. Review status: criteria provided, single submitter. Criteria: GeneDx Variant Classification Process June 2021. Collection method: clinical testing. Allele origin: germline. Affected: yes.

Ambry Genetics
Classification: Likely benign for Hereditary cancer-predisposing syndrome. Last evaluated: 2018-09-14. Review status: criteria provided, single submitter. Criteria: Ambry Variant Classification Scheme 2023. Collection method: clinical testing. Allele origin: germline.

Genetic Services Laboratory, University of Chicago
Classification: Uncertain significance. Last evaluated: 2015-05-28. Review status: criteria provided, single submitter. Criteria: ACMG Guidelines, 2015. Collection method: clinical testing. Allele origin: germline.

PreventionGenetics, part of Exact Sciences
Classification: Likely benign for SMARCA4-related condition. Last evaluated: 2023-02-08. Review status: no assertion criteria provided. Collection method: clinical testing. Allele origin: germline. Not counted in ClinVar's aggregate classification.
Comment: This variant is classified as likely benign based on ACMG/AMP sequence variant interpretation guidelines (Richards et al. 2015 PMID: 25741868, with internal and published modifications).

NM_003072.5(SMARCA4):c.2967C>T (p.Pro989=)

Gene: SMARCA4 (SWI/SNF related BAF chromatin remodeling complex subunit ATPase 4; plus strand). Cytogenetic location: 19p13.2.
Variant type: single nucleotide variant.
Coding change: c.2967C>T on transcript NM_003072.5 (MANE Select); coding-DNA position 2967, C replaced by T.
Protein change: p.Pro989=; no amino-acid change (proline 989 retained).
Molecular consequence: synonymous variant. On other transcripts: non-coding transcript variant (1).
Genome position (GRCh38, 1-based): chr19:11,023,625, C>T. VCF-style: chr19-11023625-C-T. GRCh37 (hg19) VCF-style: chr19-11134301-C-T.
Other names: c.2967C>T, p.Pro989= (NM_001128844.3, NM_001128845.2, NM_001128846.2 and 5 more transcripts).
Identifiers: ClinVar variation 212247 (VCV000212247.32), dbSNP rs149874634, ClinGen allele CA209799.
Genomic context (GRCh38, chr19:11,023,625, plus strand): 5'-CAAAGTGCTGCGGCCCTTCTTGCTCCGACGACTCAAGAAGGAAGTCGAGGCCCAGTTGCC[C>T]GAAAAGGTGATGGAGTTTTGAGGGGAGCCACCAGTGAAGCAGCCTCACGTGGGGGCTTTC-3'
Protein context (NP_003063.2, residues 979-999): RLKKEVEAQL[Pro989=]EKVEYVIKCD